The following is an entry in ClinVar:

ClinVar aggregate classification (germline): Uncertain significance (1 of 4 stars; one submission).

Allele frequency attached by ClinVar (database versions not stated): gnomAD exomes below 0.00001 and 0.00002; TOPMed below 0.00001; gnomAD 0.00001.
gnomAD v4.1: 29 of 1,613,024 alleles (0.0018%); highest among the groups gnomAD compares: East Asian, 0.036%; no homozygotes.

Submission:

GeneDx
Classification: Uncertain significance. Last evaluated: 2017-03-30. Review status: criteria provided, single submitter. Criteria: GeneDx Variant Classification (06012015). Collection method: clinical testing. Allele origin: germline. Affected: yes.
Comment: The D1176N variant in the NPHP4 gene has been reported previously in an individual who underwent whole exome sequencing as part of a study of individuals with autosomal recessive or sporadic retinitis pigmentosa with no apparent syndrome; however, this individual also harbored variants in multiple other genes associated with ocular disorders and additional clinical or family history information was not provided (Katagiri et al., 2014). The D1176N variant is not observed in large population cohorts (Lek et al., 2016; 1000 Genomes Consortium et al., 2015; Exome Variant Server). The D1176N variant is a semi-conservative amino acid substitution, which may impact secondary protein structure as these residues differ in some properties. This substitution occurs at a position that is conserved across species. In silico analysis predicts this variant is probably damaging to the protein structure/function. We interpret D1176N as a variant of uncertain significance.

NM_015102.5(NPHP4):c.3526G>A (p.Asp1176Asn)

Gene: NPHP4 (nephrocystin 4; minus strand). Cytogenetic location: 1p36.31.
Variant type: single nucleotide variant.
Coding change: c.3526G>A on transcript NM_015102.5 (MANE Select); coding-DNA position 3526, G replaced by A.
Protein change: p.Asp1176Asn; replaces aspartic acid 1176 with asparagine.
Molecular consequence: missense variant. On other transcripts: non-coding transcript variant (1).
Genome position (GRCh38, 1-based): chr1:5,867,062, C>T on the plus strand (G>A on the coding strand, the complement: NPHP4 is on the minus strand). VCF-style: chr1-5867062-C-T. GRCh37 (hg19) VCF-style: chr1-5927122-C-T.
Other names: c.1987G>A, p.Asp663Asn (NM_001291593.2); c.1990G>A, p.Asp664Asn (NM_001291594.2); short protein forms D1176N, D664N, D663N.
Identifiers: ClinVar variation 426852 (VCV000426852.2), dbSNP rs893677386, ClinGen allele CA17130147.